The following is an entry in ClinVar:

NM_007186.6(CEP250):c.3427T>C (p.Trp1143Arg)

Gene: CEP250 (centrosomal protein 250; plus strand). Cytogenetic location: 20q11.22.
Variant type: single nucleotide variant.
Coding change: c.3427T>C on transcript NM_007186.6 (MANE Select); coding-DNA position 3427, T replaced by C.
Protein change: p.Trp1143Arg; replaces tryptophan 1143 with arginine.
Molecular consequence: missense variant.
Genome position (GRCh38, 1-based): chr20:35,497,839, T>C. VCF-style: chr20-35497839-T-C. GRCh37 (hg19) VCF-style: chr20-34085668-T-C.
Other names: c.1531T>C, p.Trp511Arg (NM_001318219.1); short protein forms W1143R, W511R.
Identifiers: ClinVar variation 2060392 (VCV002060392.4), dbSNP rs2516136295, ClinGen allele CA408744103.

ClinVar aggregate classification (germline): Uncertain significance (1 of 4 stars; one submission).

Submission:

Labcorp Genetics (formerly Invitae), Labcorp
Classification: Uncertain significance. Last evaluated: 2023-06-13. Review status: criteria provided, single submitter. Criteria: Invitae Variant Classification Sherloc (09022015). Collection method: clinical testing. Allele origin: germline.
Comment: This variant is not present in population databases (gnomAD no frequency). This sequence change replaces tryptophan, which is neutral and slightly polar, with arginine, which is basic and polar, at codon 1143 of the CEP250 protein (p.Trp1143Arg). This variant has not been reported in the literature in individuals affected with CEP250-related conditions. ClinVar contains an entry for this variant (Variation ID: 2060392). Algorithms developed to predict the effect of missense changes on protein structure and function output the following: SIFT: "Not Available"; PolyPhen-2: "Benign"; Align-GVGD: "Not Available". The arginine amino acid residue is found in multiple mammalian species, which suggests that this missense change does not adversely affect protein function. In summary, the available evidence is currently insufficient to determine the role of this variant in disease. Therefore, it has been classified as a Variant of Uncertain Significance.